The following is an entry in ClinVar:

ClinVar aggregate classification (germline): Pathogenic. Review status: criteria provided, multiple submitters, no conflicts (2 of 4 stars). 4 submissions from 4 submitters: Pathogenic (4). Last evaluated 2026-04-09.

Conditions:
Nail-patella syndrome (NPS). Also called: TURNER-KIESER SYNDROME; FONG DISEASE; ONYCHOOSTEODYSPLASIA. Identifiers: Orphanet 2614, MedGen C0027341, MONDO:0008061, OMIM 161200.

Submissions (4):

GeneDx
Classification: Pathogenic. Last evaluated: 2026-04-09. Review status: criteria provided, single submitter. Criteria: GeneDx Variant Classification Process June 2021. Collection method: clinical testing. Allele origin: germline.
Comment: Reported in patients with nail-patella syndrome in published literature (PMID: 32457516, 15498463); Published functional studies suggest a damaging effect on transcriptional activity (PMID: 32457516); Nonsense variant predicted to result in protein truncation or nonsense mediated decay in a gene for which loss of function is a known mechanism of disease; Not observed at significant frequency in large population cohorts (gnomAD); This variant is associated with the following publications: (PMID: 25525159, 15498463, 32457516)

Labcorp Genetics (formerly Invitae), Labcorp
Classification: Pathogenic. Last evaluated: 2024-03-27. Review status: criteria provided, single submitter. Criteria: Invitae Variant Classification Sherloc (09022015). Collection method: clinical testing. Allele origin: germline.
Comment: This sequence change creates a premature translational stop signal (p.Glu57*) in the LMX1B gene. It is expected to result in an absent or disrupted protein product. Loss-of-function variants in LMX1B are known to be pathogenic (PMID: 9590287, 15498463). This variant is not present in population databases (gnomAD no frequency). This premature translational stop signal has been observed in individual(s) with clinical features consistent with nail-patella syndrome (PMID: 15498463; Invitae). ClinVar contains an entry for this variant (Variation ID: 827646). For these reasons, this variant has been classified as Pathogenic.

CeGaT Center for Human Genetics Tuebingen
Classification: Pathogenic. Last evaluated: 2024-01-01. Review status: criteria provided, single submitter. Criteria: CeGaT Center For Human Genetics Tuebingen Variant Classification Criteria Version 2. Collection method: clinical testing. Allele origin: germline. Affected: yes. Observed: 1 variant allele.
Comment: LMX1B: PVS1, PM2, PS4:Moderate

Pediatric Nephrology Laboratory, The University of Tokyo Hospital
Classification: Pathogenic for Nail-patella syndrome. Last evaluated: 2020-03-16. Review status: criteria provided, single submitter. Criteria: ACMG Guidelines, 2015. Collection method: clinical testing. Allele origin: germline. Affected: yes.

Literature cited by the submitters: PubMed 9590287 (cited by Labcorp Genetics (formerly Invitae), Labcorp); PubMed 15498463 (cited by Labcorp Genetics (formerly Invitae), Labcorp and Pediatric Nephrology Laboratory, The University of Tokyo Hospital).

NM_001174147.2(LMX1B):c.169G>T (p.Glu57Ter)

Gene: LMX1B (LIM homeobox transcription factor 1 beta; plus strand). Cytogenetic location: 9q33.3.
Variant type: single nucleotide variant.
Coding change: c.169G>T on transcript NM_001174147.2 (MANE Select); coding-DNA position 169, G replaced by T.
Protein change: p.Glu57Ter; replaces glutamic acid 57 with a stop codon.
Molecular consequence: nonsense.
Genome position (GRCh38, 1-based): chr9:126,615,412, G>T. VCF-style: chr9-126615412-G-T. GRCh37 (hg19) VCF-style: chr9-129377691-G-T.
Other names: c.169G>T, p.Glu57Ter (NM_001174146.2, NM_002316.4); short protein forms E57*.
Identifiers: ClinVar variation 827646 (VCV000827646.27), dbSNP rs1588257904, ClinGen allele CA374909902.